The following is an entry in ClinVar:

ClinVar aggregate classification (germline): Uncertain significance (1 of 4 stars; one submission).

Submission:

GeneDx
Classification: Uncertain significance. Last evaluated: 2024-04-16. Review status: criteria provided, single submitter. Criteria: GeneDx Variant Classification Process June 2021. Collection method: clinical testing. Allele origin: germline. Affected: yes.
Comment: Not observed at significant frequency in large population cohorts (gnomAD); In silico analysis supports that this missense variant has a deleterious effect on protein structure/function; Has not been previously published as pathogenic or benign to our knowledge

NM_001395002.1(MAP4K4):c.3806T>C (p.Ile1269Thr)

Gene: MAP4K4 (mitogen-activated protein kinase kinase kinase kinase 4; plus strand). Cytogenetic location: 2q11.2.
Variant type: single nucleotide variant.
Coding change: c.3806T>C on transcript NM_001395002.1 (MANE Select); coding-DNA position 3806, T replaced by C.
Protein change: p.Ile1269Thr; replaces isoleucine 1269 with threonine.
Molecular consequence: missense variant. On other transcripts: non-coding transcript variant (4).
Genome position (GRCh38, 1-based): chr2:101,887,812, T>C. VCF-style: chr2-101887812-T-C. GRCh37 (hg19) VCF-style: chr2-102504274-T-C.
Other names: c.3371T>C, p.Ile1124Thr (NM_001242559.2); c.3359T>C, p.Ile1120Thr (NM_001242560.2); c.3449T>C, p.Ile1150Thr (NM_001384476.1); c.3638T>C, p.Ile1213Thr (NM_001384477.1); c.3128T>C, p.Ile1043Thr (NM_001384478.1); c.3590T>C, p.Ile1197Thr (NM_001384481.1); c.3119T>C, p.Ile1040Thr (NM_001384482.1); c.3401T>C, p.Ile1134Thr (NM_001384483.1); and 40 more; short protein forms I1034T, I1040T, I1043T, I1050T, I1062T, I1073T, I1074T, I1085T.
Identifiers: ClinVar variation 3371624 (VCV003371624.1).